The following is an entry in ClinVar:

NM_017617.5(NOTCH1):c.6284G>T (p.Arg2095Leu)

Gene: NOTCH1 (notch receptor 1; minus strand). Cytogenetic location: 9q34.3.
Variant type: single nucleotide variant.
Coding change: c.6284G>T on transcript NM_017617.5 (MANE Select); coding-DNA position 6284, G replaced by T.
Protein change: p.Arg2095Leu; replaces arginine 2095 with leucine.
Molecular consequence: missense variant.
Genome position (GRCh38, 1-based): chr9:136,497,455, C>A on the plus strand (G>T on the coding strand, the complement: NOTCH1 is on the minus strand). VCF-style: chr9-136497455-C-A. GRCh37 (hg19) VCF-style: chr9-139391907-C-A.
Other names: c.6284G>T, p.Arg2095Leu (LRG_1122t1); short protein forms R2095L.
Identifiers: ClinVar variation 520047 (VCV000520047.15), dbSNP rs756874994, ClinGen allele CA375632064.

ClinVar aggregate classification (germline): Uncertain significance. Review status: criteria provided, multiple submitters, no conflicts (2 of 4 stars). 6 submissions from 5 submitters: Uncertain significance (6). Last evaluated 2026-03-16.

Conditions:
Adams-Oliver syndrome 5 (AOS5). Identifiers: Orphanet 974, MedGen C4014970, MONDO:0014459, OMIM 616028.
Familial thoracic aortic aneurysm and aortic dissection (TAAD). Also called: Thoracic aortic aneurysms and dissections. Identifiers: Orphanet 91387, MedGen C4707243, MONDO:0019625.
Aortic valve disease 1 (AOVD1). Identifiers: MedGen C3887892, MONDO:0024523, OMIM 109730.

Allele frequency attached by ClinVar (database versions not stated): TOPMed 0.00001.

Submissions (6):

Women's Health and Genetics/Laboratory Corporation of America, LabCorp
Classification: Uncertain significance. Last evaluated: 2026-03-16. Review status: criteria provided, single submitter. Criteria: LabCorp Variant Classification Summary - May 2015. Collection method: clinical testing. Allele origin: germline.
Comment: Variant summary: NOTCH1 c.6284G>T (p.Arg2095Leu) results in a non-conservative amino acid change in the encoded protein sequence. Algorithms developed to predict the effect of missense changes on protein structure and function are either unavailable or do not agree on the potential impact of this missense change. The variant was absent in 243724 control chromosomes. The available data on variant occurrences in the general population are insufficient to allow any conclusion about variant significance. To our knowledge, no occurrence of c.6284G>T in individuals affected with NOTCH1-related conditions and no experimental evidence demonstrating its impact on protein function have been reported. The following publication has been ascertained in the context of this evaluation (PMID: 29535388). ClinVar contains an entry for this variant (Variation ID: 520047). Based on the evidence outlined above, the variant was classified as uncertain significance.

Labcorp Genetics (formerly Invitae), Labcorp
Classification: Uncertain significance for Adams-Oliver syndrome 5. Last evaluated: 2026-01-06. Review status: criteria provided, single submitter. Criteria: Invitae Variant Classification Sherloc (09022015). Collection method: clinical testing. Allele origin: germline.
Comment: This sequence change replaces arginine, which is basic and polar, with leucine, which is neutral and non-polar, at codon 2095 of the NOTCH1 protein (p.Arg2095Leu). This variant is not present in population databases (gnomAD no frequency). This variant has not been reported in the literature in individuals affected with NOTCH1-related conditions. ClinVar contains an entry for this variant (Variation ID: 520047). Invitae Evidence Modeling of protein sequence and biophysical properties (such as structural, functional, and spatial information, amino acid conservation, physicochemical variation, residue mobility, and thermodynamic stability) has been performed for this missense variant. However, the output from this modeling did not meet the statistical confidence thresholds required to predict the impact of this variant on NOTCH1 protein function. In summary, the available evidence is currently insufficient to determine the role of this variant in disease. Therefore, it has been classified as a Variant of Uncertain Significance.

GeneDx
Classification: Uncertain significance. Last evaluated: 2025-03-18. Review status: criteria provided, single submitter. Criteria: GeneDx Variant Classification Process June 2021. Collection method: clinical testing. Allele origin: germline. Affected: yes.
Comment: Not observed at significant frequency in large population cohorts (gnomAD); In silico analysis supports that this missense variant has a deleterious effect on protein structure/function; Has not been previously published as pathogenic or benign to our knowledge

Genome-Nilou Lab
Classification: Uncertain significance for Adams-Oliver syndrome 5. Last evaluated: 2022-03-15. Review status: criteria provided, single submitter. Criteria: ACMG Guidelines, 2015. Collection method: clinical testing. Allele origin: germline. Affected: no.

Genome-Nilou Lab
Classification: Uncertain significance for Aortic valve disease 1. Last evaluated: 2022-03-15. Review status: criteria provided, single submitter. Criteria: ACMG Guidelines, 2015. Collection method: clinical testing. Allele origin: germline. Affected: no.

Ambry Genetics
Classification: Uncertain significance for Familial thoracic aortic aneurysm and aortic dissection. Last evaluated: 2016-07-14. Review status: criteria provided, single submitter. Criteria: Ambry Variant Classification Scheme 2023. Collection method: clinical testing. Allele origin: germline.
Comment: The p.R2095L variant (also known as c.6284G>T), located in coding exon 34 of the NOTCH1 gene, results from a G to T substitution at nucleotide position 6284. The arginine at codon 2095 is replaced by leucine, an amino acid with dissimilar properties. This variant was not reported in population based cohorts in the following databases: Database of Single Nucleotide Polymorphisms (dbSNP), NHLBI Exome Sequencing Project (ESP), and 1000 Genomes Project. In the ESP, this variant was not observed in 6469 samples (12938 alleles) with coverage at this position. This amino acid position is highly conserved in available vertebrate species. In addition, this alteration is predicted to be possibly damaging and deleterious by PolyPhen and SIFT in silico analyses, respectively. Since supporting evidence is limited at this time, the clinical significance of this alteration remains unclear.

Literature cited by the submitters: PubMed 29535388 (cited by Women's Health and Genetics/Laboratory Corporation of America, LabCorp).